The following is an entry in ClinVar:

NM_024753.5(TTC21B):c.2758-2A>G

Gene: TTC21B (tetratricopeptide repeat domain 21B; minus strand). Cytogenetic location: 2q24.3.
Variant type: single nucleotide variant.
Coding change: c.2758-2A>G on transcript NM_024753.5 (MANE Select); the canonical splice acceptor site of the intron before coding-DNA position 2758, A replaced by G.
Molecular consequence: splice acceptor variant.
Genome position (GRCh38, 1-based): chr2:165,899,882, T>C on the plus strand (A>G on the coding strand, the complement: TTC21B is on the minus strand). VCF-style: chr2-165899882-T-C. GRCh37 (hg19) VCF-style: chr2-166756392-T-C.
Other names: IVS20AS, A-G, -2.
Identifiers: ClinVar variation 30937 (VCV000030937.16), dbSNP rs766132877, ClinGen allele CA259952.

ClinVar aggregate classification (germline): Pathogenic/Likely pathogenic. Review status: criteria provided, multiple submitters, no conflicts (2 of 4 stars). 6 submissions from 6 submitters: Pathogenic (2); Likely pathogenic (3). 1 of the submissions does not count toward it. Last evaluated 2025-12-10.

Conditions:
TTC21B-related disorder. Also called: TTC21B-related condition; TTC21B-related disorders.
Jeune thoracic dystrophy. Also called: Jeune syndrome; Infantile thoracic dystrophy; Thoracic pelvic phalangeal dystrophy; Jeune's syndrome; Chondroectodermal dysplasia-like syndrome; Short-rib thoracic dysplasia. Identifiers: Orphanet 474, MedGen C0265275, MONDO:0018770.
Nephronophthisis. Also called: Juvenile Nephronophthisis. Identifiers: Orphanet 655, MedGen C0687120, MONDO:0019005, HP:0000090.
Asphyxiating thoracic dystrophy 4 (SRTD4). Also called: SHORT-RIB THORACIC DYSPLASIA 4 WITH OR WITHOUT POLYDACTYLY; SHORT-RIB THORACIC DYSPLASIA 4. Identifiers: Orphanet 474, MedGen C3151185, MONDO:0013441, OMIM 613819.
Nephronophthisis 12 (NPHP12). Identifiers: Orphanet 655, MedGen C3151186, MONDO:0013442, OMIM 613820.
Infantile nephronophthisis (NPHP2). Also called: Nephronophthisis 2, infantile; Nephronophthisis 2. Identifiers: Orphanet 655, Orphanet 93591, MedGen C1865872, MONDO:0011190, OMIM 602088.

Allele frequency attached by ClinVar (database versions not stated): TOPMed 0.00003; ExAC 0.00002; gnomAD 0.00002 and 0.00003; gnomAD exomes 0.00002.
gnomAD v4.1: 37 of 1,592,480 alleles (0.0023%); highest among the groups gnomAD compares: Non-Finnish European, 0.003%; no homozygotes.

Submissions (8):

Dasa
Classification: Likely pathogenic. Last evaluated: 2025-12-10. Review status: criteria provided, single submitter. Criteria: DASA Assertion Criteria. Collection method: clinical testing. Allele origin: germline.
Comment: NM_024753.5(TTC21B):c.2758-2A>G affects a canonical splice site and is predicted to disrupt normal RNA splicing. Loss of function is an established disease mechanism for TTC21B-associated disorders. This variant has been reported in individuals with TTC21B-related disorders (PMID: 21258341). Also, this variant is rare in population databases. Based on the currently available evidence, this variant is classified as likely pathogenic.

Labcorp Genetics (formerly Invitae), Labcorp
Classification: Pathogenic for Jeune thoracic dystrophy; Nephronophthisis. Last evaluated: 2025-04-12. Review status: criteria provided, single submitter. Criteria: Invitae Variant Classification Sherloc (09022015). Collection method: clinical testing. Allele origin: germline.
Comment: This sequence change affects an acceptor splice site in intron 20 of the TTC21B gene. It is expected to disrupt RNA splicing. Variants that disrupt the donor or acceptor splice site typically lead to a loss of protein function (PMID: 16199547), and loss-of-function variants in TTC21B are known to be pathogenic (PMID: 18327258, 21068128, 21258341, 23559409, 24876116, 25492405, 27491411, 29068549). This variant is present in population databases (rs766132877, gnomAD 0.005%). Disruption of this splice site has been observed in individual(s) with nephronophthisis (PMID: 21258341). In at least one individual the data is consistent with being in trans (on the opposite chromosome) from a pathogenic variant. ClinVar contains an entry for this variant (Variation ID: 30937). Algorithms developed to predict the effect of sequence changes on RNA splicing suggest that this variant may disrupt the consensus splice site. For these reasons, this variant has been classified as Pathogenic.

Blueprint Genetics
Classification: Likely pathogenic for TTC21B-related disorders. Last evaluated: 2024-07-23. Review status: criteria provided, single submitter. Criteria: ACMG Guidelines, 2015. Collection method: clinical testing. Allele origin: germline. Affected: yes. Observed: 5 variant alleles.

Fulgent Genetics
Classification: Likely pathogenic for Asphyxiating thoracic dystrophy 4; Nephronophthisis 12. Last evaluated: 2021-06-30. Review status: criteria provided, single submitter. Criteria: ACMG Guidelines, 2015. Collection method: clinical testing. Allele origin: unknown.
Comment: This variant has been detected in individual(s) who were sent for testing of Renasight - kidney gene panel.

Center of Genomic medicine, Geneva, University Hospital of Geneva
Classification: Pathogenic for Infantile nephronophthisis. Last evaluated: 2019-01-28. Review status: criteria provided, single submitter. Criteria: ACMG Guidelines, 2015. Collection method: clinical testing. Allele origin: paternal. Affected: yes. Observed: 2 variant alleles.

OMIM
Classification: Pathogenic for NEPHRONOPHTHISIS 12. Last evaluated: 2011-03-01. Review status: no assertion criteria provided. Collection method: literature only. Allele origin: germline. Not counted in ClinVar's aggregate classification.

Dr. Peter K. Rogan Lab, Western University
No classification provided (evidence only). Condition: Familial cancer of breast. Review status: no classification provided. Collection method: in vitro. Allele origin: not applicable. Functional consequence: retained intron. Not counted in ClinVar's aggregate classification.

Dr. Peter K. Rogan Lab, Western University
No classification provided (evidence only). Condition: Ovarian serous cystadenocarcinoma. Review status: no classification provided. Collection method: in vitro. Allele origin: not applicable. Functional consequence: retained intron. Not counted in ClinVar's aggregate classification.

Literature cited by the submitters: PubMed 21258341 (cited by 3 submitters); PubMed 16199547 (cited by Labcorp Genetics (formerly Invitae), Labcorp); PubMed 18327258 (cited by Labcorp Genetics (formerly Invitae), Labcorp); PubMed 21068128 (cited by Labcorp Genetics (formerly Invitae), Labcorp); PubMed 23559409 (cited by Labcorp Genetics (formerly Invitae), Labcorp); PubMed 24876116 (cited by Labcorp Genetics (formerly Invitae), Labcorp); PubMed 25492405 (cited by Labcorp Genetics (formerly Invitae), Labcorp); PubMed 27491411 (cited by Labcorp Genetics (formerly Invitae), Labcorp); PubMed 29068549 (cited by Labcorp Genetics (formerly Invitae), Labcorp).